The following is an entry in ClinVar:

ClinVar aggregate classification (germline): Pathogenic (1 of 4 stars; one submission).

Allele frequency attached by ClinVar (database versions not stated): gnomAD exomes 0.00003 and 0.00004; TOPMed 0.00003; ExAC 0.00004; gnomAD 0.00004.

Submission:

Labcorp Genetics (formerly Invitae), Labcorp
Classification: Pathogenic. Last evaluated: 2025-01-23. Review status: criteria provided, single submitter. Criteria: Invitae Variant Classification Sherloc (09022015). Collection method: clinical testing. Allele origin: germline.
Comment: This sequence change creates a premature translational stop signal (p.Ile359Asnfs*6) in the C9 gene. It is expected to result in an absent or disrupted protein product. Loss-of-function variants in C9 are known to be pathogenic (PMID: 9144525, 9570574). This variant is present in population databases (rs748464075, gnomAD 0.009%). This variant has not been reported in the literature in individuals affected with C9-related conditions. ClinVar contains an entry for this variant (Variation ID: 1368067). For these reasons, this variant has been classified as Pathogenic.

Literature cited by the submitters: PubMed 9144525; PubMed 9570574.

NM_001737.5(C9):c.1073dup (p.Ile359fs)

Gene: C9 (complement C9; minus strand). Cytogenetic location: 5p13.1.
Variant type: Duplication.
Coding change: c.1073dup on transcript NM_001737.5 (MANE Select); coding-DNA position 1073, one base duplicated (T; older notation c.1073dupT).
Protein change: p.Ile359fs; shifts the reading frame from isoleucine 359.
Molecular consequence: frameshift variant.
Genome position (GRCh38, 1-based): chr5:39,311,175, A duplicated on the plus strand (T on the coding strand, the reverse complement: C9 is on the minus strand). VCF-style (leftmost placement, unchanged base first): chr5-39311174-T-TA. GRCh37 (hg19) VCF-style: chr5-39311276-T-TA.
Other names: short protein forms I359fs.
Identifiers: ClinVar variation 1368067 (VCV001368067.6), dbSNP rs748464075, ClinGen allele CA3246812.
Genomic context (GRCh38, chr5:39,311,174, plus strand): 5'-CAGAGCTCTATTTCTAGGCATACCTTTCCGCTTCATGGAAGCTTTATCCAAAACATATAT[T>TA]AGTTCATAGAGTCCTCCTAGAGACCCAGAGCTACTGTAGTGAGTTCCATAGGTTTCCAAA-3'